The following is an entry in ClinVar:

NM_000057.4(BLM):c.2323A>T (p.Arg775Ter)

Gene: BLM (BLM RecQ like helicase; plus strand). Cytogenetic location: 15q26.1.
Variant type: single nucleotide variant.
Coding change: c.2323A>T on transcript NM_000057.4 (MANE Select); coding-DNA position 2323, A replaced by T.
Protein change: p.Arg775Ter; replaces arginine 775 with a stop codon.
Molecular consequence: nonsense.
Genome position (GRCh38, 1-based): chr15:90,769,148, A>T. VCF-style: chr15-90769148-A-T. GRCh37 (hg19) VCF-style: chr15-91312378-A-T.
Other names: c.2323A>T, p.Arg775Ter (NM_001287246.2, NM_001287247.2); c.1198A>T, p.Arg400Ter (NM_001287248.2); short protein forms R400*, R775*.
Identifiers: ClinVar variation 3658265 (VCV003658265.2).

ClinVar aggregate classification (germline): Pathogenic (1 of 4 stars; one submission).

Conditions:
Bloom syndrome (BLM). Also called: Bloom-Torre-Machacek syndrome. Identifiers: Orphanet 125, MedGen C0005859, MONDO:0008876, OMIM 210900.

Submission:

Labcorp Genetics (formerly Invitae), Labcorp
Classification: Pathogenic for Bloom syndrome. Last evaluated: 2024-07-18. Review status: criteria provided, single submitter. Criteria: Invitae Variant Classification Sherloc (09022015). Collection method: clinical testing. Allele origin: germline.
Comment: This sequence change creates a premature translational stop signal (p.Arg775*) in the BLM gene. It is expected to result in an absent or disrupted protein product. Loss-of-function variants in BLM are known to be pathogenic (PMID: 17407155). This variant is not present in population databases (gnomAD no frequency). This variant has not been reported in the literature in individuals affected with BLM-related conditions. For these reasons, this variant has been classified as Pathogenic.

Literature cited by the submitters: PubMed 17407155.